The following is an entry in ClinVar:

NM_006231.4(POLE):c.817G>A (p.Ala273Thr)

Gene: POLE (DNA polymerase epsilon, catalytic subunit; minus strand). Cytogenetic location: 12q24.33.
Variant type: single nucleotide variant.
Coding change: c.817G>A on transcript NM_006231.4 (MANE Select); coding-DNA position 817, G replaced by A.
Protein change: p.Ala273Thr; replaces alanine 273 with threonine.
Molecular consequence: missense variant.
Genome position (GRCh38, 1-based): chr12:132,676,638, C>T on the plus strand (G>A on the coding strand, the complement: POLE is on the minus strand). VCF-style: chr12-132676638-C-T. GRCh37 (hg19) VCF-style: chr12-133253224-C-T.
Other names: short protein forms A273T.
Identifiers: ClinVar variation 851672 (VCV000851672.8), dbSNP rs2043060294, ClinGen allele CA387364358.
Genomic context (GRCh38, chr12:132,676,638, plus strand): 5'-TCTGGTCTGTCTCAGCATCAGGAAACTTGAGGGGCAGTTTGGTCGTCTCAATGTCAAATG[C>T]CAAAACCACAGGGTCCTGTGGGGACAAAATAAGCATAAAGCCAAGCTCTAAACTCCCCAT-3'
Protein context (NP_006222.2, residues 263-283): LVERPDPVVL[Ala273Thr]FDIETTKLPL

ClinVar aggregate classification (germline): Uncertain significance (1 of 4 stars; one submission).

Submission:

Labcorp Genetics (formerly Invitae), Labcorp
Classification: Uncertain significance. Last evaluated: 2019-12-27. Review status: criteria provided, single submitter. Criteria: Invitae Variant Classification Sherloc (09022015). Collection method: clinical testing. Allele origin: germline.
Comment: This sequence change replaces alanine with threonine at codon 273 of the POLE protein (p.Ala273Thr). The alanine residue is highly conserved and there is a small physicochemical difference between alanine and threonine. This variant is not present in population databases (ExAC no frequency). In summary, the available evidence is currently insufficient to determine the role of this variant in disease. Therefore, it has been classified as a Variant of Uncertain Significance. Algorithms developed to predict the effect of missense changes on protein structure and function (SIFT, PolyPhen-2, Align-GVGD) all suggest that this variant is likely to be disruptive, but these predictions have not been confirmed by published functional studies and their clinical significance is uncertain. This variant has not been reported in the literature in individuals with POLE-related conditions.